The following is an entry in ClinVar:

NM_012208.4(HARS2):c.803T>C (p.Ile268Thr)

Gene: HARS2 (histidyl-tRNA synthetase 2, mitochondrial; plus strand). Cytogenetic location: 5q31.3.
Variant type: single nucleotide variant.
Coding change: c.803T>C on transcript NM_012208.4 (MANE Select); coding-DNA position 803, T replaced by C.
Protein change: p.Ile268Thr; replaces isoleucine 268 with threonine.
Molecular consequence: missense variant.
Genome position (GRCh38, 1-based): chr5:140,696,591, T>C. VCF-style: chr5-140696591-T-C. GRCh37 (hg19) VCF-style: chr5-140076176-T-C.
Other names: c.728T>C, p.Ile243Thr (NM_001278731.2); c.371T>C, p.Ile124Thr (NM_001278732.2); c.821T>C, p.Ile274Thr (NM_001363535.2); c.593T>C, p.Ile198Thr (NM_001363536.2); short protein forms I124T, I198T, I243T, I268T, I274T.
Identifiers: ClinVar variation 1700974 (VCV001700974.2), dbSNP rs554161150, ClinGen allele CA3444536.
Genomic context (GRCh38, chr5:140,696,591, plus strand): 5'-AAGATGTGAGACATGAGATGGTGGTGAAGAAAGGCCTGGCTCCTGAGGTGGCTGATCGAA[T>C]TGGGGACTATGTCCAGTGTCATGGTAAGAACCAGGGTTTTCAGAGCTGTGATAGAACCAG-3'
Protein context (NP_036340.1, residues 258-278): KGLAPEVADR[Ile268Thr]GDYVQCHGGV

ClinVar aggregate classification (germline): Uncertain significance (1 of 4 stars; one submission).

Allele frequency attached by ClinVar (database versions not stated): ExAC 0.00001; gnomAD exomes 0.00002; gnomAD 0.00003 and 0.00004; TOPMed 0.00004; 1000 Genomes Project 30x 0.00016; 1000 Genomes Project 0.00020.

Submission:

GeneDx
Classification: Uncertain significance. Last evaluated: 2022-08-09. Review status: criteria provided, single submitter. Criteria: GeneDx Variant Classification Process June 2021. Collection method: clinical testing. Allele origin: germline. Affected: yes.
Comment: Not observed at significant frequency in large population cohorts (gnomAD); In silico analysis supports that this missense variant has a deleterious effect on protein structure/function; Has not been previously published as pathogenic or benign to our knowledge